The following is an entry in ClinVar:

ClinVar aggregate classification (germline): Uncertain significance. Review status: criteria provided, multiple submitters, no conflicts (2 of 4 stars). 2 submissions from 2 submitters: Uncertain significance (2). Last evaluated 2025-08-04.

Allele frequency attached by ClinVar (database versions not stated): gnomAD 0.00001; gnomAD exomes below 0.00001.
gnomAD v4.1: 3 of 1,599,868 alleles (0.00019%); highest among the groups gnomAD compares: Admixed American, 0.005%; no homozygotes.

Submissions (2):

Labcorp Genetics (formerly Invitae), Labcorp
Classification: Uncertain significance. Last evaluated: 2025-08-04. Review status: criteria provided, single submitter. Criteria: Invitae Variant Classification Sherloc (09022015). Collection method: clinical testing. Allele origin: germline.
Comment: This sequence change replaces histidine, which is basic and polar, with tyrosine, which is neutral and polar, at codon 1018 of the DGKZ protein (p.His1018Tyr). This variant is not present in population databases (gnomAD no frequency). This variant has not been reported in the literature in individuals affected with DGKZ-related conditions. ClinVar contains an entry for this variant (Variation ID: 2107081). An algorithm developed to predict the effect of missense changes on protein structure and function (PolyPhen-2) suggests that this variant is likely to be tolerated. In summary, the available evidence is currently insufficient to determine the role of this variant in disease. Therefore, it has been classified as a Variant of Uncertain Significance.

Ambry Genetics
Classification: Uncertain significance. Last evaluated: 2025-04-25. Review status: criteria provided, single submitter. Criteria: Ambry Variant Classification Scheme 2023. Collection method: clinical testing. Allele origin: germline.

NM_001199267.2(DGKZ):c.2485C>T (p.His829Tyr)

Gene: DGKZ (diacylglycerol kinase zeta; plus strand). Cytogenetic location: 11p11.2.
Variant type: single nucleotide variant.
Coding change: c.2485C>T on transcript NM_001199267.2 (MANE Select); coding-DNA position 2485, C replaced by T.
Protein change: p.His829Tyr; replaces histidine 829 with tyrosine.
Molecular consequence: missense variant.
Genome position (GRCh38, 1-based): chr11:46,379,060, C>T. VCF-style: chr11-46379060-C-T. GRCh37 (hg19) VCF-style: chr11-46400610-C-T.
Other names: c.3052C>T (NM_001105540.1); c.3052C>T, p.His1018Tyr (NM_001105540.2); c.2488C>T, p.His830Tyr (NM_001199266.2, NM_003646.4); c.2419C>T, p.His807Tyr (NM_001199268.2); c.2536C>T, p.His846Tyr (NM_201532.3); c.2500C>T, p.His834Tyr (NM_201533.3); short protein forms H807Y, H829Y, H834Y, H1018Y, H830Y, H846Y.
Identifiers: ClinVar variation 2107081 (VCV002107081.5), dbSNP rs765552283, ClinGen allele CA380227734.
Genomic context (GRCh38, chr11:46,379,060, plus strand): 5'-CTGCACCGAGCTGGGGGCGACCTCATGCACCGAGACGAGCAGAGTCGCACGCTCCTGCAC[C>T]ACGCAGTCAGCACTGGCAGCAAGGATGTGGTCCGCTACCTGCTGGACCACGGTGAGCCGG-3'
Protein context (NP_001186196.1, residues 819-839): RDEQSRTLLH[His829Tyr]AVSTGSKDVV